The following is an entry in ClinVar:

NM_001126128.2(PROK2):c.16T>G (p.Cys6Gly)

Gene: PROK2 (prokineticin 2; minus strand). Cytogenetic location: 3p13.
Variant type: single nucleotide variant.
Coding change: c.16T>G on transcript NM_001126128.2 (MANE Select); coding-DNA position 16, T replaced by G.
Protein change: p.Cys6Gly; replaces cysteine 6 with glycine.
Molecular consequence: missense variant.
Genome position (GRCh38, 1-based): chr3:71,785,037, A>C on the plus strand (T>G on the coding strand, the complement: PROK2 is on the minus strand). VCF-style: chr3-71785037-A-C. GRCh37 (hg19) VCF-style: chr3-71834188-A-C.
Other names: c.16T>G, p.Cys6Gly (NM_021935.4); short protein forms C6G.
Identifiers: ClinVar variation 4986639 (VCV004986639.1).

ClinVar aggregate classification (germline): Uncertain significance (1 of 4 stars; one submission).

Conditions:
PROK2-related disorder. Also called: PROK2-related condition.

Submission:

PreventionGenetics, part of Exact Sciences
Classification: Uncertain significance for PROK2-related condition. Last evaluated: 2025-05-09. Review status: criteria provided, single submitter. Criteria: ACMG Guidelines, 2015. Collection method: clinical testing. Allele origin: germline.
Comment: The PROK2 c.16T>G variant is predicted to result in the amino acid substitution p.Cys6Gly. To our knowledge, this variant has not been reported in the literature or in a large population database (gnomAD), indicating this variant is rare. At this time, the clinical significance of this variant is uncertain due to the absence of conclusive functional and genetic evidence.